The following is an entry in ClinVar:

NM_005751.5(AKAP9):c.5505A>G (p.Ile1835Met)

Gene: AKAP9 (A-kinase anchoring protein 9; plus strand). Cytogenetic location: 7q21.2.
Variant type: single nucleotide variant.
Coding change: c.5505A>G on transcript NM_005751.5 (MANE Select); coding-DNA position 5505, A replaced by G.
Protein change: p.Ile1835Met; replaces isoleucine 1835 with methionine.
Molecular consequence: missense variant.
Genome position (GRCh38, 1-based): chr7:92,052,862, A>G. VCF-style: chr7-92052862-A-G. GRCh37 (hg19) VCF-style: chr7-91682176-A-G.
Other names: c.5505A>G, p.Ile1835Met (NM_147185.3); short protein forms I1835M.
Identifiers: ClinVar variation 382012 (VCV000382012.11), dbSNP rs1057521238, ClinGen allele CA16605299.

ClinVar aggregate classification (germline): Conflicting classifications of pathogenicity. Review status: criteria provided, conflicting classifications (1 of 4 stars). 3 submissions from 3 submitters: Uncertain significance (2); Likely benign (1). Last evaluated 2025-11-06.

Conditions:
Cardiovascular phenotype. Identifiers: MedGen CN230736.
Long QT syndrome (LQTS). Identifiers: MedGen C0023976, MeSH D008133, MONDO:0002442. Disease mechanism: loss of function. Inheritance: Various modes of inheritance.

Allele frequency attached by ClinVar (database versions not stated): TOPMed below 0.00001; gnomAD 0.00001; gnomAD exomes 0.00001 and below 0.00001.
gnomAD v4.1: 22 of 1,613,796 alleles (0.0014%); highest among the groups gnomAD compares: Non-Finnish European, 0.0019%; no homozygotes.

Submissions (3):

Ambry Genetics
Classification: Likely benign for Cardiovascular phenotype. Last evaluated: 2025-11-06. Review status: criteria provided, single submitter. Criteria: Ambry Variant Classification Scheme 2023. Collection method: clinical testing. Allele origin: germline.

Labcorp Genetics (formerly Invitae), Labcorp
Classification: Uncertain significance for Long QT syndrome. Last evaluated: 2021-11-27. Review status: criteria provided, single submitter. Criteria: Invitae Variant Classification Sherloc (09022015). Collection method: clinical testing. Allele origin: germline.
Comment: In summary, the available evidence is currently insufficient to determine the role of this variant in disease. Therefore, it has been classified as a Variant of Uncertain Significance. Algorithms developed to predict the effect of missense changes on protein structure and function are either unavailable or do not agree on the potential impact of this missense change (SIFT: "Tolerated"; PolyPhen-2: "Possibly Damaging"; Align-GVGD: "Class C0"). ClinVar contains an entry for this variant (Variation ID: 382012). This variant has not been reported in the literature in individuals affected with AKAP9-related conditions. This variant is present in population databases (no rsID available, gnomAD 0.0009%). This sequence change replaces isoleucine, which is neutral and non-polar, with methionine, which is neutral and non-polar, at codon 1835 of the AKAP9 protein (p.Ile1835Met).

GeneDx
Classification: Uncertain significance. Last evaluated: 2016-10-17. Review status: criteria provided, single submitter. Criteria: GeneDx Variant Classification (06012015). Collection method: clinical testing. Allele origin: germline. Affected: yes.
Comment: A variant of uncertain significance has been identified in the AKAP9 gene. The I1835M variant has not been published as a pathogenic variant, nor has it been reported as a benign variant to our knowledge. This variant was not observed in approximately 6,500 individuals of European and African American ancestry in the NHLBI Exome Sequencing Project, indicating it is not a common benign variant in these populations. However, the I1835M variant is a conservative amino acid substitution, which is not likely to impact secondary protein structure as these residues share similar properties. This substitution occurs at a position where amino acids with similar properties to Isoleucine are tolerated across species. Furthermore, 2/3 in silico prediction programs predict this variant likely does not alter the protein structure/function.Therefore, based on the currently available information, it is unclear whether this variant is pathogenic or benign.